The following is an entry in ClinVar:

ClinVar aggregate classification (germline): Uncertain significance (1 of 4 stars; one submission).

Conditions:
Ehlers-Danlos syndrome, classic type, 1 (EDSCL1). Also called: EDS I; EHLERS-DANLOS SYNDROME, GRAVIS TYPE; EHLERS-DANLOS SYNDROME, SEVERE CLASSIC TYPE; Ehlers-Danlos syndrome, type 1; Ehlers-Danlos Syndrome, Classic Type, COL5A1-Related. Identifiers: MedGen C0268335, MONDO:0019567, OMIM 130000.

Allele frequency attached by ClinVar (database versions not stated): gnomAD 0.00001; TOPMed below 0.00001.
gnomAD v4.1: 1 of 1,613,760 alleles (0.000062%); highest among the groups gnomAD compares: Non-Finnish European, 0.000085%; no homozygotes.

Submission:

Labcorp Genetics (formerly Invitae), Labcorp
Classification: Uncertain significance for Ehlers-Danlos syndrome, classic type, 1. Last evaluated: 2023-08-05. Review status: criteria provided, single submitter. Criteria: Invitae Variant Classification Sherloc (09022015). Collection method: clinical testing. Allele origin: germline.
Comment: In summary, the available evidence is currently insufficient to determine the role of this variant in disease. Therefore, it has been classified as a Variant of Uncertain Significance. Advanced modeling of protein sequence and biophysical properties (such as structural, functional, and spatial information, amino acid conservation, physicochemical variation, residue mobility, and thermodynamic stability) performed at Invitae indicates that this missense variant is not expected to disrupt COL5A2 protein function. This variant has not been reported in the literature in individuals affected with COL5A2-related conditions. This variant is not present in population databases (gnomAD no frequency). This sequence change replaces proline, which is neutral and non-polar, with leucine, which is neutral and non-polar, at codon 962 of the COL5A2 protein (p.Pro962Leu).

NM_000393.5(COL5A2):c.2885C>T (p.Pro962Leu)

Gene: COL5A2 (collagen type V alpha 2 chain; minus strand). Cytogenetic location: 2q32.2.
Variant type: single nucleotide variant.
Coding change: c.2885C>T on transcript NM_000393.5 (MANE Select); coding-DNA position 2885, C replaced by T.
Protein change: p.Pro962Leu; replaces proline 962 with leucine.
Molecular consequence: missense variant.
Genome position (GRCh38, 1-based): chr2:189,051,366, G>A on the plus strand (C>T on the coding strand, the complement: COL5A2 is on the minus strand). VCF-style: chr2-189051366-G-A. GRCh37 (hg19) VCF-style: chr2-189916092-G-A.
Other names: short protein forms P962L.
Identifiers: ClinVar variation 2976534 (VCV002976534.3), dbSNP rs1685782846, ClinGen allele CA349867653.
Genomic context (GRCh38, chr2:189,051,366, plus strand): 5'-TACGCCAAACTTACAGGTTGCCCATCTTCTCCTGGGTCCCCTTTGTCTCCTGGGCCACCA[G>A]GGGGGCCAGCTGGTCCTCGATCTCCCACACGCCCATGAGAGCCAGGGTCCCCACGAAGAC-3'
Protein context (NP_000384.2, residues 952-972): RVGDRGPAGP[Pro962Leu]GGPGDKGDPG